The following is an entry in ClinVar:

ClinVar aggregate classification (germline): Conflicting classifications of pathogenicity. Review status: criteria provided, conflicting classifications (1 of 4 stars). 2 submissions from 2 submitters: Pathogenic (1); Uncertain significance (1). Last evaluated 2023-07-21.

Conditions:
Charcot-Marie-Tooth disease type 2. Also called: Charcot-Marie-Tooth type 2. Identifiers: Orphanet 64746, MedGen C0270914, MONDO:0018993.

Submissions (2):

Labcorp Genetics (formerly Invitae), Labcorp
Classification: Pathogenic for Charcot-Marie-Tooth disease type 2. Last evaluated: 2023-07-21. Review status: criteria provided, single submitter. Criteria: Invitae Variant Classification Sherloc (09022015). Collection method: clinical testing. Allele origin: germline.
Comment: For these reasons, this variant has been classified as Pathogenic. ClinVar contains an entry for this variant (Variation ID: 543231). This variant has not been reported in the literature in individuals affected with AARS-related conditions. This variant is not present in population databases (gnomAD no frequency). This sequence change creates a premature translational stop signal (p.Gly426Thrfs*4) in the AARS gene. It is expected to result in an absent or disrupted protein product. Loss-of-function variants in AARS are known to be pathogenic (PMID: 25817015, 28493438, 34446925).

Blueprint Genetics
Classification: Uncertain significance. Last evaluated: 2021-03-08. Review status: criteria provided, single submitter. Criteria: ACMG Guidelines, 2015. Collection method: clinical testing. Allele origin: germline.

Literature cited by the submitters: PubMed 25817015 (cited by Labcorp Genetics (formerly Invitae), Labcorp); PubMed 28493438 (cited by Labcorp Genetics (formerly Invitae), Labcorp); PubMed 34446925 (cited by Labcorp Genetics (formerly Invitae), Labcorp).

NM_001605.3(AARS1):c.1275_1276del (p.Gly426fs)

Gene: AARS1 (alanyl-tRNA synthetase 1; minus strand). Cytogenetic location: 16q22.1.
Variant type: Deletion.
Coding change: c.1275_1276del on transcript NM_001605.3 (MANE Select); coding-DNA positions 1275 to 1276, 2 bases deleted (TG; older notation c.1275_1276delTG).
Protein change: p.Gly426fs; shifts the reading frame from glycine 426.
Molecular consequence: frameshift variant.
Genome position (GRCh38, 1-based): chr16:70,265,609-70,265,610, CA deleted on the plus strand (TG on the coding strand, the reverse complement: AARS1 is on the minus strand). VCF-style (leftmost placement, unchanged base first): chr16-70265608-CCA-C. GRCh37 (hg19) VCF-style: chr16-70299511-CCA-C.
Other names: c.1275_1276delTG (NM_001605.2); short protein forms G426fs.
Identifiers: ClinVar variation 543231 (VCV000543231.7), dbSNP rs1555540896, ClinGen allele CA658798635.